The following is an entry in ClinVar:

ClinVar aggregate classification (germline): Uncertain significance. Review status: criteria provided, multiple submitters, no conflicts (2 of 4 stars). 3 submissions from 3 submitters: Uncertain significance (3). Last evaluated 2026-07-06.

Conditions:
Hereditary cancer-predisposing syndrome. Also called: Hereditary neoplastic syndrome; Hereditary Cancer Syndrome; Neoplastic Syndromes, Hereditary; Tumor predisposition. Identifiers: Orphanet 140162, MedGen C0027672, MeSH D009386, MONDO:0015356.
Tuberous sclerosis 2 (TSC2). Identifiers: Orphanet 805, MedGen C1860707, MONDO:0013199, OMIM 613254.
Isolated focal cortical dysplasia type II (FCORD2). Also called: CORTICAL DYSPLASIA OF TAYLOR; Focal cortical dysplasia type II. Identifiers: Orphanet 268994, MedGen C1846385, MONDO:0011818, OMIM 607341, HP:0032051.

Submissions (3):

Ambry Genetics
Classification: Uncertain significance for Hereditary cancer-predisposing syndrome. Last evaluated: 2026-07-06. Review status: criteria provided, single submitter. Criteria: Ambry Variant Classification Scheme 2023. Collection method: clinical testing. Allele origin: germline.
Comment: The p.V1725A variant (also known as c.5174T>C), located in coding exon 40 of the TSC2 gene, results from a T to C substitution at nucleotide position 5174. The valine at codon 1725 is replaced by alanine, an amino acid with similar properties. This amino acid position is conserved. In addition, this alteration is predicted to be deleterious by in silico analysis. Based on the available evidence, the clinical significance of this variant remains unclear.

Labcorp Genetics (formerly Invitae), Labcorp
Classification: Uncertain significance for Tuberous sclerosis 2. Last evaluated: 2023-11-17. Review status: criteria provided, single submitter. Criteria: Invitae Variant Classification Sherloc (09022015). Collection method: clinical testing. Allele origin: germline.
Comment: This sequence change replaces valine, which is neutral and non-polar, with alanine, which is neutral and non-polar, at codon 1725 of the TSC2 protein (p.Val1725Ala). This variant is not present in population databases (gnomAD no frequency). This variant has not been reported in the literature in individuals affected with TSC2-related conditions. Advanced modeling of protein sequence and biophysical properties (such as structural, functional, and spatial information, amino acid conservation, physicochemical variation, residue mobility, and thermodynamic stability) performed at Invitae indicates that this missense variant is not expected to disrupt TSC2 protein function with a negative predictive value of 95%. In summary, the available evidence is currently insufficient to determine the role of this variant in disease. Therefore, it has been classified as a Variant of Uncertain Significance.

Baylor Genetics
Classification: Uncertain significance for Isolated focal cortical dysplasia type II. Last evaluated: 2023-10-18. Review status: criteria provided, single submitter. Criteria: ACMG Guidelines, 2015. Collection method: clinical testing. Allele origin: unknown.

NM_000548.5(TSC2):c.5174T>C (p.Val1725Ala)

Gene: TSC2 (TSC complex subunit 2; plus strand). Cytogenetic location: 16p13.3.
Variant type: single nucleotide variant.
Coding change: c.5174T>C on transcript NM_000548.5 (MANE Select); coding-DNA position 5174, T replaced by C.
Protein change: p.Val1725Ala; replaces valine 1725 with alanine.
Molecular consequence: missense variant. On other transcripts: non-coding transcript variant (5).
Genome position (GRCh38, 1-based): chr16:2,088,240, T>C. VCF-style: chr16-2088240-T-C. GRCh37 (hg19) VCF-style: chr16-2138241-T-C.
Other names: c.4973T>C, p.Val1658Ala (NM_001077183.3); c.5105T>C, p.Val1702Ala (NM_001114382.3); c.4865T>C, p.Val1622Ala (NM_001318827.2); c.4829T>C, p.Val1610Ala (NM_001318829.2); c.4442T>C, p.Val1481Ala (NM_001318831.2); c.5006T>C, p.Val1669Ala (NM_001318832.2); c.4976T>C, p.Val1659Ala (NM_001363528.2); c.5042T>C, p.Val1681Ala (NM_001370404.1); and 27 more; short protein forms V1124A, V1210A, V1211A, V1233A, V1234A, V1254A, V1458A, V1459A.
Identifiers: ClinVar variation 2679326 (VCV002679326.5), dbSNP rs2151628234, ClinGen allele CA394314013.